The following is an entry in ClinVar:

ClinVar aggregate classification (germline): Benign/Likely benign. Review status: criteria provided, multiple submitters, no conflicts (2 of 4 stars). 3 submissions from 3 submitters: Benign (1); Likely benign (2). Last evaluated 2026-04-20.

Conditions:
DICER1-related tumor predisposition. Also called: DICER1 syndrome; DICER1-related pleuropulmonary blastoma cancer predisposition syndrome. Identifiers: Orphanet 284343, MedGen C3839822, MONDO:0100216.
Hereditary cancer-predisposing syndrome. Also called: Tumor predisposition; Hereditary Cancer Syndrome; Hereditary neoplastic syndrome; Neoplastic Syndromes, Hereditary. Identifiers: Orphanet 140162, MedGen C0027672, MeSH D009386, MONDO:0015356.

Allele frequency attached by ClinVar (database versions not stated): gnomAD exomes below 0.00001 and 0.00002; TOPMed below 0.00001.
gnomAD v4.1: 22 of 1,614,226 alleles (0.0014%); highest among the groups gnomAD compares: Non-Finnish European, 0.0019%; no homozygotes.

Submissions (3):

Myriad Genetics, Inc.
Classification: Benign for DICER1-related tumor predisposition. Last evaluated: 2026-04-20. Review status: criteria provided, single submitter. Criteria: Myriad Autosomal Dominant, Autosomal Recessive and X-Linked Classification Criteria (2023). Collection method: clinical testing. Allele origin: unknown.
Comment: This variant is considered benign. This variant is a silent/synonymous amino acid change and it is not expected to impact splicing.

Labcorp Genetics (formerly Invitae), Labcorp
Classification: Likely benign for DICER1-related tumor predisposition. Last evaluated: 2025-07-31. Review status: criteria provided, single submitter. Criteria: Invitae Variant Classification Sherloc (09022015). Collection method: clinical testing. Allele origin: germline.

Ambry Genetics
Classification: Likely benign for Hereditary cancer-predisposing syndrome. Last evaluated: 2019-02-06. Review status: criteria provided, single submitter. Criteria: Ambry Variant Classification Scheme 2023. Collection method: clinical testing. Allele origin: germline.

NM_177438.3(DICER1):c.4434A>G (p.Ala1478=)

Gene: DICER1 (dicer 1, ribonuclease III; minus strand). Cytogenetic location: 14q32.13.
Variant type: single nucleotide variant.
Coding change: c.4434A>G on transcript NM_177438.3 (MANE Select); coding-DNA position 4434, A replaced by G.
Protein change: p.Ala1478=; no amino-acid change (alanine 1478 retained).
Molecular consequence: synonymous variant.
Genome position (GRCh38, 1-based): chr14:95,096,486, T>C on the plus strand (A>G on the coding strand, the complement: DICER1 is on the minus strand). VCF-style: chr14-95096486-T-C. GRCh37 (hg19) VCF-style: chr14-95562823-T-C.
Other names: c.4434A>G, p.Ala1478= (NM_001195573.1, NM_001271282.3, NM_001291628.2 and 1 more transcripts).
Identifiers: ClinVar variation 824888 (VCV000824888.12), dbSNP rs756670297, ClinGen allele CA265898247.
Genomic context (GRCh38, chr14:95,096,486, plus strand): 5'-AAAATCTGATGAAAATGGCATACTACCTAAGGAGGATTTTTTGGGCATTTTCCATTCATA[T>C]GCAGAATCAGTGGTTGAAAAAGGAGAAAGAGAGATTTTCTTTACAAAAGCTCCTGACCCC-3'
Protein context (NP_803187.1, residues 1468-1488): SLSPFSTTDS[Ala1478=]YEWKMPKKSS